The following is an entry in ClinVar:

ClinVar aggregate classification (germline): Pathogenic/Likely pathogenic. Review status: criteria provided, multiple submitters, no conflicts (2 of 4 stars). 10 submissions from 10 submitters: Pathogenic (7); Likely pathogenic (2). 1 of the submissions does not count toward it. Last evaluated 2026-07-17.

Conditions:
DUOX2-related disorder. Also called: DUOX2-related condition.
Nongoitrous Euthyroid Hyperthyrotropinemia.
Inborn genetic diseases. Identifiers: MedGen C0950123, MeSH D030342.
Familial thyroid dyshormonogenesis. Identifiers: Orphanet 95716, MedGen C4273748, MONDO:0010132.
Thyroid dyshormonogenesis 6 (TDH6). Also called: HYPOTHYROIDISM, CONGENITAL, DUE TO DYSHORMONOGENESIS, 6; THYROID HORMONOGENESIS, GENETIC DEFECT IN, 6; Genetic transient congenital hypothyroidism. Identifiers: Orphanet 226316, Orphanet 95716, MedGen C1846632, MONDO:0011792, OMIM 607200.

Allele frequency attached by ClinVar (database versions not stated): ESP Exome Variant Server 0.00015; ExAC 0.00018; gnomAD 0.00024 and 0.00025; TOPMed 0.00028; 1000 Genomes Project 0.00040; 1000 Genomes Project 30x 0.00047.
gnomAD v4.1: 177 of 1,614,132 alleles (0.011%); highest among the groups gnomAD compares: East Asian, 0.24%; no homozygotes.

Submissions (10):

PreventionGenetics, part of Exact Sciences
Classification: Pathogenic for DUOX2-related condition. Last evaluated: 2026-07-17. Review status: criteria provided, single submitter. Criteria: ACMG Guidelines, 2015. Collection method: clinical testing. Allele origin: germline.
Comment: The DUOX2 c.1462G>A variant is predicted to result in the amino acid substitution p.Gly488Arg. This variant has been reported in the homozygous state or with a second pathogenic variant in individuals with congenital hypothyroidism and thyroid dyshormonogenesis (Narumi et al. 2011. PubMed ID: 21900383; Yoshizawa-Ogasawara et al. 2013. PubMed ID: 23457309; Jin et al. 2014. PubMed ID: 25248169; Srichomkwun et al. 2016. PubMed ID: 27821020; Abe et al. 2017. PubMed ID: 29092890; Yamaguchi et al. 2020. PubMed ID: 32459320). In vitro functional assays suggest that this variant results in a complete loss of function (Narumi et al. 2011. PubMed ID: 21900383; Jin et al. 2014. PubMed ID: 25248169). This variant is reported in 0.12% of alleles in individuals of East Asian descent in gnomAD and is consistently reported as likely pathogenic or pathogenic in ClinVar (Variation ID: 225342). This variant is interpreted as pathogenic.

GeneDx
Classification: Pathogenic. Last evaluated: 2025-09-25. Review status: criteria provided, single submitter. Criteria: GeneDx Variant Classification Process June 2021. Collection method: clinical testing. Allele origin: germline. Affected: yes.
Comment: Published functional studies demonstrate a damaging effect as the generation of H2O2 was significantly reduced in the G488R transfected cells (PMID: 25248169, 21900383); In silico analysis supports that this missense variant has a deleterious effect on protein structure/function; This variant is associated with the following publications: (PMID: 27821020, 34200080, 31044655, 21900383, 26709262, 25248169, 30609409, 29650690, 32469330, 32459320, 29092890, 23457309, 32425884, 34426522, 33631011, 33651715, 38373250, 34564849, 39029043)

Fulgent Genetics
Classification: Pathogenic for Thyroid dyshormonogenesis 6. Last evaluated: 2024-02-26. Review status: criteria provided, single submitter. Criteria: ACMG Guidelines, 2015. Collection method: clinical testing. Allele origin: germline.

3billion
Classification: Pathogenic for Thyroid dyshormonogenesis 6. Last evaluated: 2023-08-23. Review status: criteria provided, single submitter. Criteria: ACMG Guidelines, 2015. Collection method: clinical testing. Allele origin: germline. Affected: yes.
Comment: The variant is observed at an extremely low frequency in the gnomAD v2.1.1 dataset (total allele frequency: 0.015%). Predicted Consequence/Location: Protein truncation variants are a common disease-causing mechanism. In silico tool predictions suggest damaging effect of the variant on gene or gene product [REVEL: 0.71 (>=0.6, sensitivity 0.68 and specificity 0.92); 3Cnet: 0.79 (>=0.6, sensitivity 0.72 and precision 0.9)]. Same nucleotide change resulting in same amino acid change has been previously reported as pathogenic/likely pathogenic with strong evidence (ClinVar ID: VCV000225342 /PMID: 21900383 /3billion dataset). The variant has been reported to be in trans with a pathogenic variant as either compound heterozygous or homozygous in at least 2 similarly affected unrelated individuals (PMID: 21900383, 23457309, 25248169, 26709262). Therefore, this variant is classified as Pathogenic according to the recommendation of ACMG/AMP guideline.

Ambry Genetics
Classification: Likely pathogenic for Inborn genetic diseases. Last evaluated: 2021-02-24. Review status: criteria provided, single submitter. Criteria: Ambry Variant Classification Scheme 2023. Collection method: clinical testing. Allele origin: germline.
Comment: The c.1462G>A (p.G488R) alteration is located in exon 13 (coding exon 12) of the DUOX2 gene. This alteration results from a G to A substitution at nucleotide position 1462, causing the glycine (G) at amino acid position 488 to be replaced by an arginine (R). Based on data from the Genome Aggregation Database (gnomAD) database, the DUOX2 c.1462G>A alteration was observed in 0.015% (42/282816) of total alleles studied, with a frequency of 0.12% (24/19952) in the East Asian subpopulation. This alteration has been detected in multiple individuals with congenital hypothyroidism, in the homozygous state, the compound heterozygous state, and in the heterozygous state without a second alteration identified (Narumi, 2011; Yoshizawa-Ogasawara, 2013; Jin, 2014; Srichomkwun, 2017; Sun, 2018; Abe, 2018; Peters, 2019). This amino acid position is highly conserved in available vertebrate species. A hydrogen peroxide production assay showed significantly decreased hydrogen peroxide compared to wild type protein in HEK293 and A549 cells (Narumi, 2011; Jin, 2014). The in silico prediction for the p.G488R alteration is inconclusive. Based on the available evidence, this alteration is classified as likely pathogenic.

Illumina Laboratory Services, Illumina
Classification: Pathogenic for Thyroid dyshormonogenesis 6. Last evaluated: 2018-08-15. Review status: criteria provided, single submitter. Criteria: ICSL Variant Classification Criteria 09 May 2019. Collection method: clinical testing. Allele origin: germline.
Comment: Across a selection of the available literature, the DUOX2 c.1462G>A (p.Gly488Arg) missense variant has been reported in at least 18 unrelated patients with congenital hypothyroidism, including in a homozygous state in two siblings and an unrelated individual, in a compound heterozygous state in at least seven individuals, and in a heterozygous state in nine individuals in whom a second variant in the DUOX2 gene was not identified (Narumi et al. 2011; Yoshizawa-Ogasawara et al. 2013; Jin et al. 2014; Park et al. 2016; Srichomkwun et al. 2017). In several of these cases, the variant was shown to be inherited from an unaffected parent. In addition, one patient with dyshormonogenesis and an enlarged thyroid was heterozygous for the p.Gly488Arg variant and a second missense variant, but phase was not specified (Narumi et al. 2011). The p.Gly488Arg variant was absent from at least 100 alleles and is reported at a frequency of 0.001503 in the East Asian population of the Exome Aggregation Consortium. By assaying hydrogen peroxide production, two independent groups showed the variant protein displays greatly reduced activity compared to the wild type protein in HEK293 and A549 cells (Narumi et al. 2011; Jin et al. 2014). Based on the collective evidence, the p.Gly488Arg variant is classified as pathogenic for congenital hypothyroidism. This variant was observed by ICSL as part of a predisposition screen in an ostensibly healthy population.

Laboratory for Molecular Medicine, Mass General Brigham Personalized Medicine
Classification: Pathogenic for Familial thyroid dyshormonogenesis. Last evaluated: 2017-04-14. Review status: criteria provided, single submitter. Criteria: LMM Criteria. Collection method: clinical testing. Allele origin: germline. Inheritance: Autosomal recessive inheritance. Observed: 1 variant allele.
Comment: The p.Gly488Arg (NM014080.4 c.1462G>A) variant in DUOX2 has been reported in 9 h eterozygous, 3 homozygous, and 8 compound heterozygous Asian individuals with cl inical features of congenital hypothyroidism and related disorders (Narumi 2011, Yoshizawa-Ogasawara 2013, Jin 2014, Park 2016, Srichomkwun 2017). This variant has been identified in 0.15% (13/8,652) of East Asian chromosomes by the Exome A ggregation Consortium (ExAC; dbSNP rs191759494). Although this variant has been seen in the general population, its frequency is low enough to be consistent with a recessive carrier frequency. In vitro func tional studies provide support that the p.Gly488Arg variant impacts protein func tion (Narumi 2011 and Jin 2015). In summary, this variant meets criteria to be c lassified as pathogenic for congenital hypothyroidism and related disorders in a n autosomal recessive manner based upon biallelic occurrence in affected individ uals, low frequency in control populations, and functional studies.

Soonchunhyang University Bucheon Hospital, Soonchunhyang University Medical Center
Classification: Likely pathogenic for Thyroid dyshormonogenesis 6. Last evaluated: 2016-03-18. Review status: criteria provided, single submitter. Criteria: ACMG Guidelines, 2015. Collection method: reference population. Allele origin: germline. Observed: 2 variant alleles.

Juno Genomics, Hangzhou Juno Genomics, Inc
Classification: Pathogenic for Thyroid dyshormonogenesis 6. Review status: criteria provided, single submitter. Criteria: ACMG Guidelines, 2015. Collection method: clinical testing. Allele origin: germline.
Comment: Absent from controls (or at extremely low frequency if recessive) in Genome Aggregation Database.;For recessive disorders, detected in trans with a pathogenic variant.;Patient's phenotype or family history is highly specific for a disease with a single genetic etiology.;Multiple lines of computational evidence support a deleterious effect on the gene or gene product.

University of Washington Center for Mendelian Genomics, University of Washington
Classification: Likely pathogenic for Nongoitrous Euthyroid Hyperthyrotropinemia. Last evaluated: 2017-01-01. Review status: no assertion criteria provided. Collection method: research. Allele origin: unknown. Affected: yes. Observed: 1 compound heterozygote. Not counted in ClinVar's aggregate classification.

Literature cited by the submitters: PubMed 23457309 (cited by 4 submitters); PubMed 25248169 (cited by 5 submitters); PubMed 26709262 (cited by 3 submitters); PubMed 21900383 (cited by 5 submitters); PubMed 27821020 (cited by 4 submitters); PubMed 29092890 (cited by Ambry Genetics); PubMed 29650690 (cited by Ambry Genetics); PubMed 31044655 (cited by Ambry Genetics).

NM_001363711.2(DUOX2):c.1462G>A (p.Gly488Arg)

Gene: DUOX2 (dual oxidase 2; minus strand). Cytogenetic location: 15q21.1.
Variant type: single nucleotide variant.
Coding change: c.1462G>A on transcript NM_001363711.2 (MANE Select); coding-DNA position 1462, G replaced by A.
Protein change: p.Gly488Arg; replaces glycine 488 with arginine.
Molecular consequence: missense variant.
Genome position (GRCh38, 1-based): chr15:45,108,159, C>T on the plus strand (G>A on the coding strand, the complement: DUOX2 is on the minus strand). VCF-style: chr15-45108159-C-T. GRCh37 (hg19) VCF-style: chr15-45400357-C-T.
Other names: c.1462G>A, p.Gly488Arg (NM_014080.5); short protein forms G488R.
Identifiers: ClinVar variation 225342 (VCV000225342.26), dbSNP rs191759494, ClinGen allele CA7538602.